The following is an entry in ClinVar:

ClinVar aggregate classification (germline): Uncertain significance (1 of 4 stars; one submission).

Conditions:
Autosomal dominant nocturnal frontal lobe epilepsy 5. Also called: Epilepsy, nocturnal frontal lobe, 5; KCNT1-Related Epilepsy; CILIARY DYSKINESIA, PRIMARY, 28, WITHOUT SITUS INVERSUS; CILIARY DYSKINESIA, PRIMARY, 28, WITH SITUS INVERSUS. Identifiers: Orphanet 98784, MedGen C3554306, MONDO:0014002, OMIM 615005.
Developmental and epileptic encephalopathy, 14 (DEE14). Also called: Early infantile epileptic encephalopathy 14. Identifiers: Orphanet 293181, MedGen C3554195, MONDO:0013989, OMIM 614959.

Submission:

Labcorp Genetics (formerly Invitae), Labcorp
Classification: Uncertain significance for Autosomal dominant nocturnal frontal lobe epilepsy 5; Developmental and epileptic encephalopathy, 14. Last evaluated: 2022-04-23. Review status: criteria provided, single submitter. Criteria: Invitae Variant Classification Sherloc (09022015). Collection method: clinical testing. Allele origin: germline.
Comment: Advanced modeling of protein sequence and biophysical properties (such as structural, functional, and spatial information, amino acid conservation, physicochemical variation, residue mobility, and thermodynamic stability) performed at Invitae indicates that this missense variant is expected to disrupt KCNT1 protein function. This sequence change replaces leucine, which is neutral and non-polar, with proline, which is neutral and non-polar, at codon 940 of the KCNT1 protein (p.Leu940Pro). In summary, the available evidence is currently insufficient to determine the role of this variant in disease. Therefore, it has been classified as a Variant of Uncertain Significance. This missense change has been observed in individual(s) with clinical features of KCNT1-related conditions (Invitae). This variant is not present in population databases (gnomAD no frequency).

NM_020822.3(KCNT1):c.2819T>C (p.Leu940Pro)

Gene: KCNT1 (potassium sodium-activated channel subfamily T member 1; plus strand). Cytogenetic location: 9q34.3.
Variant type: single nucleotide variant.
Coding change: c.2819T>C on transcript NM_020822.3 (MANE Select); coding-DNA position 2819, T replaced by C.
Protein change: p.Leu940Pro; replaces leucine 940 with proline.
Molecular consequence: missense variant.
Genome position (GRCh38, 1-based): chr9:135,779,448, T>C. VCF-style: chr9-135779448-T-C. GRCh37 (hg19) VCF-style: chr9-138671294-T-C.
Other names: c.2684T>C, p.Leu895Pro (NM_001272003.2); short protein forms L895P, L940P.
Identifiers: ClinVar variation 2129544 (VCV002129544.4), dbSNP rs2491046771, ClinGen allele CA375515706.